The following is an entry in ClinVar:

ClinVar aggregate classification (germline): Uncertain significance (1 of 4 stars; one submission).

Conditions:
Neuropathy, hereditary sensory and autonomic, type 2A (HSAN2A). Also called: ACROOSTEOLYSIS, GIACCAI TYPE; ACROOSTEOLYSIS, NEUROGENIC; MORVAN DISEASE; NEUROPATHY, CONGENITAL SENSORY; NEUROPATHY, HEREDITARY SENSORY RADICULAR, AUTOSOMAL RECESSIVE; NEUROPATHY, HEREDITARY SENSORY, TYPE IIA. Identifiers: Orphanet 970, MedGen C2752089, MONDO:0024309, OMIM 201300.
Generalized epilepsy with febrile seizures plus, type 7 (GEFSP7). Also called: GEFS+, TYPE 7. Identifiers: Orphanet 36387, MedGen C2751778, MONDO:0013470, OMIM 613863.

Allele frequency attached by ClinVar (database versions not stated): gnomAD exomes below 0.00001.
gnomAD v4.1: 2 of 1,612,194 alleles (0.00012%); highest among the groups gnomAD compares: Non-Finnish European, 0.00017%; no homozygotes.

Submission:

Labcorp Genetics (formerly Invitae), Labcorp
Classification: Uncertain significance for Neuropathy, hereditary sensory and autonomic, type 2A; Generalized epilepsy with febrile seizures plus, type 7. Last evaluated: 2023-02-14. Review status: criteria provided, single submitter. Criteria: Invitae Variant Classification Sherloc (09022015). Collection method: clinical testing. Allele origin: germline.
Comment: This sequence change replaces alanine, which is neutral and non-polar, with threonine, which is neutral and polar, at codon 1302 of the SCN9A protein (p.Ala1302Thr). This variant is not present in population databases (gnomAD no frequency). This variant has not been reported in the literature in individuals affected with SCN9A-related conditions. Advanced modeling of protein sequence and biophysical properties (such as structural, functional, and spatial information, amino acid conservation, physicochemical variation, residue mobility, and thermodynamic stability) performed at Invitae indicates that this missense variant is not expected to disrupt SCN9A protein function. In summary, the available evidence is currently insufficient to determine the role of this variant in disease. Therefore, it has been classified as a Variant of Uncertain Significance.

NM_001365536.1(SCN9A):c.3937G>A (p.Ala1313Thr)

Genes: SCN1A-AS1 (SCN1A and SCN9A antisense RNA 1; plus strand), SCN9A (sodium voltage-gated channel alpha subunit 9; minus strand). Cytogenetic location: 2q24.3.
Variant type: single nucleotide variant.
Coding change: c.3937G>A on transcript NM_001365536.1 (MANE Select); coding-DNA position 3937, G replaced by A.
Protein change: p.Ala1313Thr; replaces alanine 1313 with threonine.
Molecular consequence: missense variant.
Genome position (GRCh38, 1-based): chr2:166,228,960, C>T on the plus strand (G>A on the coding strand, the complement: SCN9A is on the minus strand). VCF-style: chr2-166228960-C-T. GRCh37 (hg19) VCF-style: chr2-167085470-C-T.
Other names: c.3904G>A, p.Ala1302Thr (NM_002977.4); short protein forms A1313T, A1302T.
Identifiers: ClinVar variation 2941426 (VCV002941426.3), dbSNP rs1694967698, ClinGen allele CA349064778.
Genomic context (GRCh38, chr2:166,228,960, plus strand): 5'-GCCAGAATATAAGACACACAAGTAGCACATTCATGATGGAAGGAATTGCTCCTATGAGTG[C>T]ATTCACAACGACCTAGTATTCAAAAGAAAGAAAAGCATGATTAGGATTAGTAAGATGTTA-3'
Protein context (NP_001352465.1, residues 1303-1323): RFEGMRVVVN[Ala1313Thr]LIGAIPSIMN